The following is an entry in ClinVar:

NM_005912.3(MC4R):c.80C>T (p.Ala27Val)

Gene: MC4R (melanocortin 4 receptor; minus strand). Cytogenetic location: 18q21.32.
Variant type: single nucleotide variant.
Coding change: c.80C>T on transcript NM_005912.3 (MANE Select); coding-DNA position 80, C replaced by T.
Protein change: p.Ala27Val; replaces alanine 27 with valine.
Molecular consequence: missense variant.
Genome position (GRCh38, 1-based): chr18:60,372,270, G>A on the plus strand (C>T on the coding strand, the complement: MC4R is on the minus strand). VCF-style: chr18-60372270-G-A. GRCh37 (hg19) VCF-style: chr18-58039503-G-A.
Other names: short protein forms A27V.
Identifiers: ClinVar variation 4540627 (VCV004540627.1).

ClinVar aggregate classification (germline): Uncertain significance (1 of 4 stars; one submission).

Conditions:
Early onset severe obesity. Identifiers: MedGen C4013980.

Submission:

Cambridge Genomics Laboratory, East Genomic Laboratory Hub, NHS Genomic Medicine Service
Classification: Uncertain significance for Severe early-onset obesity. Last evaluated: 2026-01-06. Review status: criteria provided, single submitter. Criteria: ACGS Best Practice Guidelines for Variant Classification in Rare Disease 2020. Collection method: clinical testing. Allele origin: germline. Affected: yes.
Comment: PM2_Supporting,BP4